The following is an entry in ClinVar:

ClinVar aggregate classification (germline): Uncertain significance (1 of 4 stars; one submission).

Conditions:
Neuroblastoma, susceptibility to, 3. Also called: ALK-Related Neuroblastic Tumor Susceptibility. Identifiers: Orphanet 635, MedGen C2751681, MONDO:0013083, OMIM 613014.

Submission:

Labcorp Genetics (formerly Invitae), Labcorp
Classification: Uncertain significance for Neuroblastoma, susceptibility to, 3. Last evaluated: 2024-08-29. Review status: criteria provided, single submitter. Criteria: Invitae Variant Classification Sherloc (09022015). Collection method: clinical testing. Allele origin: germline.
Comment: This sequence change replaces glycine, which is neutral and non-polar, with arginine, which is basic and polar, at codon 846 of the ALK protein (p.Gly846Arg). This variant is not present in population databases (gnomAD no frequency). This variant has not been reported in the literature in individuals affected with ALK-related conditions. An algorithm developed to predict the effect of missense changes on protein structure and function (PolyPhen-2) suggests that this variant is likely to be disruptive. In summary, the available evidence is currently insufficient to determine the role of this variant in disease. Therefore, it has been classified as a Variant of Uncertain Significance.

NM_004304.5(ALK):c.2536G>C (p.Gly846Arg)

Gene: ALK (ALK receptor tyrosine kinase; minus strand). Cytogenetic location: 2p23.2.
Variant type: single nucleotide variant.
Coding change: c.2536G>C on transcript NM_004304.5 (MANE Select); coding-DNA position 2536, G replaced by C.
Protein change: p.Gly846Arg; replaces glycine 846 with arginine.
Molecular consequence: missense variant.
Genome position (GRCh38, 1-based): chr2:29,232,400, C>G on the plus strand (G>C on the coding strand, the complement: ALK is on the minus strand). VCF-style: chr2-29232400-C-G. GRCh37 (hg19) VCF-style: chr2-29455266-C-G.
Other names: short protein forms G846R.
Identifiers: ClinVar variation 3663886 (VCV003663886.2).
Genomic context (GRCh38, chr2:29,232,400, plus strand): 5'-AGGAGTTATTCTCCAGTCTCTCTGGGTGGAACGTGTCTGTCTTGGCCCCGTAGGCCCTGC[C>G]ACCACCTCCGGCTGCAATGATCAGGGGCACCGGCACTCCATCCTTCATCTGACCAGGGGA-3'
Protein context (NP_004295.2, residues 836-856): VPLIIAAGGG[Gly846Arg]RAYGAKTDTF